The following is an entry in ClinVar:

NM_015272.5(RPGRIP1L):c.854T>C (p.Met285Thr)

Gene: RPGRIP1L (RPGRIP1 like; minus strand). Cytogenetic location: 16q12.2.
Variant type: single nucleotide variant.
Coding change: c.854T>C on transcript NM_015272.5 (MANE Select); coding-DNA position 854, T replaced by C.
Protein change: p.Met285Thr; replaces methionine 285 with threonine.
Molecular consequence: missense variant.
Genome position (GRCh38, 1-based): chr16:53,675,045, A>G on the plus strand (T>C on the coding strand, the complement: RPGRIP1L is on the minus strand). VCF-style: chr16-53675045-A-G. GRCh37 (hg19) VCF-style: chr16-53708957-A-G.
Other names: c.854T>C, p.Met285Thr (NM_001127897.4, NM_001308334.3, NM_001330538.2); c.854T>C (NM_015272.2); short protein forms M285T.
Identifiers: ClinVar variation 992042 (VCV000992042.11), dbSNP rs772520453, ClinGen allele CA8057999.

ClinVar aggregate classification (germline): Uncertain significance. Review status: criteria provided, multiple submitters, no conflicts (2 of 4 stars). 5 submissions from 5 submitters: Uncertain significance (4). 1 of the submissions does not count toward it. Last evaluated 2026-04-03.

Conditions:
Inborn genetic diseases. Identifiers: MedGen C0950123, MeSH D030342.
Meckel-Gruber syndrome. Also called: Dysencephalia splachnocystica; DYSENCEPHALIA SPLANCHNOCYSTICA; GRUBER SYNDROME. Identifiers: Orphanet 564, MedGen C0265215, MONDO:0018921.
Joubert syndrome. Also called: Familial aplasia of the vermis; JOUBERT-BOLTSHAUSER SYNDROME. Identifiers: Orphanet 475, MedGen C5979921, MONDO:0018772.
Meckel syndrome, type 5 (MKS5). Identifiers: Orphanet 564, MedGen C1969052, MONDO:0012695, OMIM 611561.
Joubert syndrome 7 (JBTS7). Identifiers: Orphanet 220497, MedGen C1969053, MONDO:0012694, OMIM 611560.
COACH syndrome 3. Identifiers: MedGen C5436841, MONDO:0030862, OMIM 619113.

Allele frequency attached by ClinVar (database versions not stated): ExAC 0.00001; gnomAD 0.00003; TOPMed 0.00005; gnomAD exomes 0.00001 and 0.00003.
gnomAD v4.1: 48 of 1,609,262 alleles (0.003%); highest among the groups gnomAD compares: Non-Finnish European, 0.0037%; no homozygotes.

Submissions (5):

GeneDx
Classification: Uncertain significance. Last evaluated: 2026-04-03. Review status: criteria provided, single submitter. Criteria: GeneDx Variant Classification Process June 2021. Collection method: clinical testing. Allele origin: germline.
Comment: Not observed at significant frequency in large population cohorts (gnomAD); In silico analysis suggests that this missense variant does not alter protein structure/function; Has not been previously published as pathogenic or benign to our knowledge

Labcorp Genetics (formerly Invitae), Labcorp
Classification: Uncertain significance for Joubert syndrome; Meckel-Gruber syndrome. Last evaluated: 2025-02-17. Review status: criteria provided, single submitter. Criteria: Invitae Variant Classification Sherloc (09022015). Collection method: clinical testing. Allele origin: germline.
Comment: This sequence change replaces methionine, which is neutral and non-polar, with threonine, which is neutral and polar, at codon 285 of the RPGRIP1L protein (p.Met285Thr). This variant is present in population databases (rs772520453, gnomAD 0.004%). This variant has not been reported in the literature in individuals affected with RPGRIP1L-related conditions. ClinVar contains an entry for this variant (Variation ID: 992042). Invitae Evidence Modeling of protein sequence and biophysical properties (such as structural, functional, and spatial information, amino acid conservation, physicochemical variation, residue mobility, and thermodynamic stability) indicates that this missense variant is not expected to disrupt RPGRIP1L protein function with a negative predictive value of 80%. In summary, the available evidence is currently insufficient to determine the role of this variant in disease. Therefore, it has been classified as a Variant of Uncertain Significance.

Fulgent Genetics
Classification: Uncertain significance for Joubert syndrome 7; Meckel syndrome, type 5; COACH syndrome 3. Last evaluated: 2024-04-22. Review status: criteria provided, single submitter. Criteria: ACMG Guidelines, 2015. Collection method: clinical testing. Allele origin: germline.

Ambry Genetics
Classification: Uncertain significance for Inborn genetic diseases. Last evaluated: 2021-09-15. Review status: criteria provided, single submitter. Criteria: Ambry Variant Classification Scheme 2023. Collection method: clinical testing. Allele origin: germline.

Natera, Inc.
Classification: Uncertain significance for Joubert syndrome. Last evaluated: 2020-04-24. Review status: no assertion criteria provided. Collection method: clinical testing. Allele origin: germline. Not counted in ClinVar's aggregate classification.